The following is an entry in ClinVar:

NM_004006.3(DMD):c.7603C>T (p.Gln2535Ter)

Gene: DMD (dystrophin; minus strand). Cytogenetic location: Xp21.1.
Variant type: single nucleotide variant.
Coding change: c.7603C>T on transcript NM_004006.3 (MANE Select); coding-DNA position 7603, C replaced by T.
Protein change: p.Gln2535Ter; replaces glutamine 2535 with a stop codon.
Molecular consequence: nonsense.
Genome position (GRCh38, 1-based): chrX:31,729,688, G>A on the plus strand (C>T on the coding strand, the complement: DMD is on the minus strand). VCF-style: chrX-31729688-G-A. GRCh37 (hg19) VCF-style: chrX-31747805-G-A.
Other names: c.7579C>T, p.Gln2527Ter (NM_000109.4); c.7591C>T, p.Gln2531Ter (NM_004009.3); c.7234C>T, p.Gln2412Ter (NM_004010.3); c.3580C>T, p.Gln1194Ter (NM_004011.4); c.3571C>T, p.Gln1191Ter (NM_004012.4); c.223C>T, p.Gln75Ter (NM_004013.3, NM_004020.4, NM_004021.3 and 2 more transcripts); short protein forms Q1194*, Q75*, Q1191*, Q2531*, Q2412*, Q2527*, Q2535*.
Identifiers: ClinVar variation 1451409 (VCV001451409.6), dbSNP rs2149018213, ClinGen allele CA412657600.

ClinVar aggregate classification (germline): Pathogenic (1 of 4 stars; one submission).

Conditions:
Duchenne muscular dystrophy (DMD). Also called: Duchenne Muscular Dystrophy (DMD); MUSCULAR DYSTROPHY, PSEUDOHYPERTROPHIC PROGRESSIVE, DUCHENNE TYPE. Identifiers: Orphanet 98896, MedGen C0013264, MONDO:0010679, OMIM 310200.

Submission:

Labcorp Genetics (formerly Invitae), Labcorp
Classification: Pathogenic for Duchenne muscular dystrophy. Last evaluated: 2025-11-01. Review status: criteria provided, single submitter. Criteria: Invitae Variant Classification Sherloc (09022015). Collection method: clinical testing. Allele origin: germline.
Comment: This sequence change creates a premature translational stop signal (p.Gln2535*) in the DMD gene. It is expected to result in an absent or disrupted protein product. Loss-of-function variants in DMD are known to be pathogenic (PMID: 16770791, 25007885). This variant is not present in population databases (gnomAD no frequency). This variant has not been reported in the literature in individuals affected with DMD-related conditions. ClinVar contains an entry for this variant (Variation ID: 1451409). For these reasons, this variant has been classified as Pathogenic.

Literature cited by the submitters: PubMed 16770791; PubMed 25007885.